The following is an entry in ClinVar:

NM_017635.5(KMT5B):c.817del (p.His273fs)

Gene: KMT5B (lysine methyltransferase 5B; minus strand). Cytogenetic location: 11q13.2.
Variant type: Deletion.
Coding change: c.817del on transcript NM_017635.5 (MANE Select); coding-DNA position 817, one base deleted (C; older notation c.817delC).
Protein change: p.His273fs; shifts the reading frame from histidine 273.
Molecular consequence: frameshift variant. On other transcripts: non-coding transcript variant (2).
Genome position (GRCh38, 1-based): chr11:68,171,546, G deleted on the plus strand (C on the coding strand, the reverse complement: KMT5B is on the minus strand); the first of 2 consecutive G bases (chr11:68,171,546-68,171,547); deleting either gives the same sequence. VCF-style (leftmost placement, unchanged base first): chr11-68171545-TG-T. GRCh37 (hg19) VCF-style: chr11-67939012-TG-T.
Other names: c.301del, p.His101fs (NM_001300907.1, NM_001369424.1, NM_001369428.1 and 5 more transcripts); c.97del, p.His33fs (NM_001300908.2); c.748del, p.His250fs (NM_001300909.2); c.817del, p.His273fs (NM_001363566.2, NM_001369426.1, NM_001369427.1 and 1 more transcripts); c.604del, p.His202fs (NM_001369425.1); short protein forms H101fs, H202fs, H250fs, H273fs, H33fs.
Identifiers: ClinVar variation 2428851 (VCV002428851.3), dbSNP rs2495305792, ClinGen allele CA2580084658.
Genomic context (GRCh38, chr11:68,171,545, plus strand): 5'-TCTAGCAGTTAGCAGGAATGGCCAACACTAGCGCCAACACCTTGGAAACACAGCTTACCA[TG>T]GTTTATAAACGCAGCAGGACCCAGCCAGAGTTGAGCACAGTTTTTCCTTGTGGAGTACAT-3'

ClinVar aggregate classification (germline): Likely pathogenic (1 of 4 stars; one submission).

Submission:

GeneDx
Classification: Likely pathogenic. Last evaluated: 2022-08-01. Review status: criteria provided, single submitter. Criteria: GeneDx Variant Classification Process June 2021. Collection method: clinical testing. Allele origin: germline. Affected: yes.
Comment: Frameshift variant predicted to result in protein truncation or nonsense mediated decay in a gene for which loss of function is a known mechanism of disease; Not observed at significant frequency in large population cohorts (gnomAD); Has not been previously published as pathogenic or benign to our knowledge